The following is an entry in ClinVar:

ClinVar aggregate classification (germline): other (0 of 4 stars; one submission).

Conditions:
Familial colorectal cancer. Identifiers: MedGen CN280943, MONDO:0023113. Disease mechanism: loss of function.

Submission:

Systems Biology Platform Zhejiang California International NanoSystems Institute
Classification: other for Familial colorectal cancer. Review status: no assertion criteria provided. Collection method: not provided. Allele origin: unknown.
ClinVar note: Converted during submission from cancer to other.

NM_000038.6(APC):c.645+2955G>A

Gene: APC (APC regulator of WNT signaling pathway; plus strand). Cytogenetic location: 5q22.2.
Variant type: single nucleotide variant.
Coding change: c.645+2955G>A on transcript NM_000038.6 (MANE Select); 2955 bases into the intron after coding-DNA position 645, G replaced by A.
Molecular consequence: intron variant.
Genome position (GRCh38, 1-based): chr5:112,783,858, G>A. VCF-style: chr5-112783858-G-A. GRCh37 (hg19) VCF-style: chr5-112119555-G-A.
Other names: c.645+2955G>A (NM_001354895.2, NM_001127510.3, NM_001354896.2 and 2 more transcripts); c.675+2955G>A (NM_001354897.2, NM_001354902.2, NM_001127511.3); c.570+2955G>A (NM_001354898.2, NM_001354904.2); c.-391+2955G>A (NM_001354906.2); c.468+2955G>A (NM_001354900.2, NM_001354901.2, NM_001354905.2).
Identifiers: ClinVar variation 82957 (VCV000082957.2), dbSNP rs79650022, ClinGen allele CA011354.
Genomic context (GRCh38, chr5:112,783,858, plus strand): 5'-AAGAAAAGAAAAGAAAGAAAACAGATAACCAAATAGCAAAATAGTCAGAAGATGTGAATA[G>A]TTCCATCAGAAAATTAAGTTCAAGTGTCTAATAAACAATTGTGAAAAGATGCTTAAACAT-3'